The following is an entry in ClinVar:

NM_000368.5(TSC1):c.1038T>C (p.Leu346=)

Gene: TSC1 (TSC complex subunit 1; minus strand). Cytogenetic location: 9q34.13.
Variant type: single nucleotide variant.
Coding change: c.1038T>C on transcript NM_000368.5 (MANE Select); coding-DNA position 1038, T replaced by C.
Protein change: p.Leu346=; no amino-acid change (leucine 346 retained).
Molecular consequence: synonymous variant.
Genome position (GRCh38, 1-based): chr9:132,911,105, A>G on the plus strand (T>C on the coding strand, the complement: TSC1 is on the minus strand). VCF-style: chr9-132911105-A-G. GRCh37 (hg19) VCF-style: chr9-135786492-A-G.
Other names: c.1038T>C, p.Leu346= (NM_001162426.2); c.885T>C, p.Leu295= (NM_001162427.2); c.675T>C, p.Leu225= (NM_001362177.2).
Identifiers: ClinVar variation 287540 (VCV000287540.24), dbSNP rs753360364, ClinGen allele CA026857.
Genomic context (GRCh38, chr9:132,911,105, plus strand): 5'-TGGGACATTTCCAGGAGAAGTTGGAGGAGTGGTCATACCACAAACCATAGATGGGCTCCA[A>G]AGAGTAGCCTGGGAAGTTAATAAAGTACATCAGCAGTGGCAAAGGAATGCTAAGTCATCC-3'
Protein context (NP_000359.1, residues 336-356): RLITEPPQAT[Leu346=]WSPSMVCGMT

ClinVar aggregate classification (germline): Conflicting classifications of pathogenicity. Review status: criteria provided, conflicting classifications (1 of 4 stars). 5 submissions from 5 submitters: Uncertain significance (1); Benign (1); Likely benign (3). Last evaluated 2025-05-11.

Conditions:
Hereditary cancer-predisposing syndrome. Also called: Neoplastic Syndromes, Hereditary; Tumor predisposition; Hereditary neoplastic syndrome; Hereditary Cancer Syndrome. Identifiers: Orphanet 140162, MedGen C0027672, MeSH D009386, MONDO:0015356.
Tuberous sclerosis 1 (TSC1). Identifiers: Orphanet 805, MedGen C1854465, MONDO:0008612, OMIM 191100.

Allele frequency attached by ClinVar (database versions not stated): gnomAD exomes below 0.00001 and 0.00002; TOPMed below 0.00001; gnomAD 0.00001; ExAC 0.00003.
gnomAD v4.1: 8 of 1,613,750 alleles (0.0005%); highest among the groups gnomAD compares: African/African-American, 0.0013%; no homozygotes.

Submissions (5):

Labcorp Genetics (formerly Invitae), Labcorp
Classification: Likely benign for Tuberous sclerosis 1. Last evaluated: 2025-05-11. Review status: criteria provided, single submitter. Criteria: Invitae Variant Classification Sherloc (09022015). Collection method: clinical testing. Allele origin: germline.

Myriad Genetics, Inc.
Classification: Benign for Tuberous sclerosis 1. Last evaluated: 2025-04-09. Review status: criteria provided, single submitter. Criteria: Myriad Autosomal Dominant, Autosomal Recessive and X-Linked Classification Criteria (2023). Collection method: clinical testing. Allele origin: unknown.
Comment: This variant is considered benign. This variant is a silent/synonymous amino acid change and it is not expected to impact splicing.

Genome-Nilou Lab
Classification: Likely benign for Tuberous sclerosis 1. Last evaluated: 2021-11-07. Review status: criteria provided, single submitter. Criteria: ACMG Guidelines, 2015. Collection method: clinical testing. Allele origin: germline. Affected: no.

Ambry Genetics
Classification: Likely benign for Hereditary cancer-predisposing syndrome. Last evaluated: 2019-07-09. Review status: criteria provided, single submitter. Criteria: Ambry Variant Classification Scheme 2023. Collection method: clinical testing. Allele origin: germline.

Eurofins Ntd Llc (ga)
Classification: Uncertain significance. Last evaluated: 2016-06-02. Review status: criteria provided, single submitter. Criteria: EGL Classification Definitions 2015. Collection method: clinical testing. Allele origin: germline. Observed: 1 variant allele, 1 heterozygote.